The following is an entry in ClinVar:

NM_014956.5(CEP164):c.2704G>A (p.Val902Met)

Gene: CEP164 (centrosomal protein 164; plus strand). Cytogenetic location: 11q23.3.
Variant type: single nucleotide variant.
Coding change: c.2704G>A on transcript NM_014956.5 (MANE Select); coding-DNA position 2704, G replaced by A.
Protein change: p.Val902Met; replaces valine 902 with methionine.
Molecular consequence: missense variant.
Genome position (GRCh38, 1-based): chr11:117,394,437, G>A. VCF-style: chr11-117394437-G-A. GRCh37 (hg19) VCF-style: chr11-117265153-G-A.
Other names: c.2713G>A, p.Val905Met (NM_001271933.2); short protein forms V905M, V902M.
Identifiers: ClinVar variation 965697 (VCV000965697.8), dbSNP rs144279354, ClinGen allele CA6295185.

ClinVar aggregate classification (germline): Uncertain significance. Review status: criteria provided, multiple submitters, no conflicts (2 of 4 stars). 2 submissions from 2 submitters: Uncertain significance (2). Last evaluated 2024-12-15.

Conditions:
Inborn genetic diseases. Identifiers: MedGen C0950123, MeSH D030342.
Nephronophthisis 15 (NPHP15). Identifiers: Orphanet 3156, MedGen C3541853, MONDO:0013917, OMIM 614845.

Allele frequency attached by ClinVar (database versions not stated): gnomAD 0.00009; TOPMed 0.00009; ESP Exome Variant Server 0.00015; gnomAD exomes 0.00028.
gnomAD v4.1: 414 of 1,614,026 alleles (0.026%); highest among the groups gnomAD compares: Non-Finnish European, 0.034%; 1 homozygote.

Submissions (2):

Labcorp Genetics (formerly Invitae), Labcorp
Classification: Uncertain significance for Nephronophthisis 15. Last evaluated: 2024-12-15. Review status: criteria provided, single submitter. Criteria: Invitae Variant Classification Sherloc (09022015). Collection method: clinical testing. Allele origin: germline.
Comment: This sequence change replaces valine, which is neutral and non-polar, with methionine, which is neutral and non-polar, at codon 902 of the CEP164 protein (p.Val902Met). This variant is present in population databases (rs144279354, gnomAD 0.01%). This variant has not been reported in the literature in individuals affected with CEP164-related conditions. ClinVar contains an entry for this variant (Variation ID: 965697). Invitae Evidence Modeling of protein sequence and biophysical properties (such as structural, functional, and spatial information, amino acid conservation, physicochemical variation, residue mobility, and thermodynamic stability) indicates that this missense variant is not expected to disrupt CEP164 protein function with a negative predictive value of 80%. In summary, the available evidence is currently insufficient to determine the role of this variant in disease. Therefore, it has been classified as a Variant of Uncertain Significance.

Ambry Genetics
Classification: Uncertain significance for Inborn genetic diseases. Last evaluated: 2023-09-26. Review status: criteria provided, single submitter. Criteria: Ambry Variant Classification Scheme 2023. Collection method: clinical testing. Allele origin: germline.